The following is an entry in ClinVar:

ClinVar aggregate classification (germline): Uncertain significance (1 of 4 stars; one submission).

Submission:

Labcorp Genetics (formerly Invitae), Labcorp
Classification: Uncertain significance. Last evaluated: 2026-01-04. Review status: criteria provided, single submitter. Criteria: Invitae Variant Classification Sherloc (09022015). Collection method: clinical testing. Allele origin: germline.
Comment: This variant, c.175_198dup, results in the insertion of 8 amino acid(s) of the TACO1 protein (p.Gly59_Val66dup), but otherwise preserves the integrity of the reading frame. This variant is not present in population databases (gnomAD no frequency). This variant has not been reported in the literature in individuals affected with TACO1-related conditions. In summary, the available evidence is currently insufficient to determine the role of this variant in disease. Therefore, it has been classified as a Variant of Uncertain Significance.

NM_016360.4(TACO1):c.175_198dup (p.Val66_Arg67insGlyHisAsnLysTrpSerLysVal)

Gene: TACO1 (translational activator of cytochrome c oxidase I; plus strand). Cytogenetic location: 17q23.3.
Variant type: Duplication.
Coding change: c.175_198dup on transcript NM_016360.4 (MANE Select); coding-DNA positions 175 to 198, 24 bases duplicated (GGGCACAACAAGTGGTCCAAAGTC).
Protein change: p.Val66_Arg67insGlyHisAsnLysTrpSerLysVal.
Genome position (GRCh38, 1-based): chr17:63,601,258-63,601,281, GGGCACAACAAGTGGTCCAAAGTC duplicated; duplicating any 24 consecutive bases within chr17:63,601,257-63,601,281 gives the same sequence; the c. name uses the placement nearest the transcript's 3' end. VCF-style (leftmost placement, unchanged base first): chr17-63601256-C-CCGGGCACAACAAGTGGTCCAAAGT. GRCh37 (hg19) VCF-style: chr17-61678615-C-CCGGGCACAACAAGTGGTCCAAAGT.
Identifiers: ClinVar variation 4770373 (VCV004770373.1).